The following is an entry in ClinVar:

ClinVar aggregate classification (germline): Uncertain significance. Review status: criteria provided, multiple submitters, no conflicts (2 of 4 stars). 3 submissions from 3 submitters: Uncertain significance (3). Last evaluated 2023-11-09.

Conditions:
Autosomal recessive limb-girdle muscular dystrophy type 2O. Also called: Limb-Girdle Muscular Dystrophy Type 3C; MUSCULAR DYSTROPHY-DYSTROGLYCANOPATHY (LIMB-GIRDLE), TYPE C, 3; MUSCULAR DYSTROPHY-DYSTROGLYCANOPATHY, LIMB-GIRDLE, POMGNT1-RELATED. Identifiers: Orphanet 206564, MedGen C3150417, MONDO:0013161, OMIM 613157.
Muscular dystrophy-dystroglycanopathy (congenital with impaired intellectual development), type B, 3. Also called: MUSCULAR DYSTROPHY, CONGENITAL, POMGNT1-RELATED; Muscular dystrophy-dystroglycanopathy (congenital with intellectual disability), type B3. Identifiers: MedGen C3150412, MONDO:0013155, OMIM 613151.

Allele frequency attached by ClinVar (database versions not stated): gnomAD exomes 0.00003; gnomAD 0.00004 and 0.00003; TOPMed 0.00002; ExAC 0.00003.
gnomAD v4.1: 36 of 1,613,752 alleles (0.0022%); highest among the groups gnomAD compares: South Asian, 0.0055%; no homozygotes.

Submissions (3):

Revvity Omics, Revvity
Classification: Uncertain significance. Last evaluated: 2023-11-09. Review status: criteria provided, single submitter. Criteria: ACMG Guidelines, 2015. Collection method: clinical testing. Allele origin: germline.

Labcorp Genetics (formerly Invitae), Labcorp
Classification: Uncertain significance for Autosomal recessive limb-girdle muscular dystrophy type 2O; Muscular dystrophy-dystroglycanopathy (congenital with impaired intellectual development), type B, 3. Last evaluated: 2022-05-21. Review status: criteria provided, single submitter. Criteria: Invitae Variant Classification Sherloc (09022015). Collection method: clinical testing. Allele origin: germline.
Comment: This sequence change replaces threonine, which is neutral and polar, with methionine, which is neutral and non-polar, at codon 524 of the POMGNT1 protein (p.Thr524Met). This variant is present in population databases (rs769180238, gnomAD 0.007%). This variant has not been reported in the literature in individuals affected with POMGNT1-related conditions. Advanced modeling of protein sequence and biophysical properties (such as structural, functional, and spatial information, amino acid conservation, physicochemical variation, residue mobility, and thermodynamic stability) performed at Invitae indicates that this missense variant is not expected to disrupt POMGNT1 protein function. In summary, the available evidence is currently insufficient to determine the role of this variant in disease. Therefore, it has been classified as a Variant of Uncertain Significance.

Blueprint Genetics
Classification: Uncertain significance. Last evaluated: 2019-10-11. Review status: criteria provided, single submitter. Criteria: ACMG Guidelines, 2015. Collection method: clinical testing. Allele origin: germline.

NM_017739.4(POMGNT1):c.1571C>T (p.Thr524Met)

Genes: POMGNT1 (protein O-linked mannose N-acetylglucosaminyltransferase 1 (beta 1,2-); minus strand), TSPAN1 (tetraspanin 1; plus strand). Cytogenetic location: 1p34.1.
Variant type: single nucleotide variant.
Coding change: c.1571C>T on transcript NM_017739.4 (MANE Select); coding-DNA position 1571, C replaced by T.
Protein change: p.Thr524Met; replaces threonine 524 with methionine.
Molecular consequence: missense variant.
Genome position (GRCh38, 1-based): chr1:46,190,753, G>A on the plus strand (C>T on the coding strand, the complement: POMGNT1 is on the minus strand). VCF-style: chr1-46190753-G-A. GRCh37 (hg19) VCF-style: chr1-46656425-G-A.
Other names: c.1571C>T, p.Thr524Met (NM_001243766.2, NM_001410783.1); c.1505C>T, p.Thr502Met (NM_001290129.3); c.1142C>T, p.Thr381Met (NM_001290130.2); short protein forms T524M, T381M, T502M.
Identifiers: ClinVar variation 1411160 (VCV001411160.8), dbSNP rs769180238, ClinGen allele CA833314.